The following is an entry in ClinVar:

NM_198576.4(AGRN):c.5038A>G (p.Asn1680Asp)

Gene: AGRN (agrin; plus strand). Cytogenetic location: 1p36.33.
Variant type: single nucleotide variant.
Coding change: c.5038A>G on transcript NM_198576.4 (MANE Select); coding-DNA position 5038, A replaced by G.
Protein change: p.Asn1680Asp; replaces asparagine 1680 with aspartic acid.
Molecular consequence: missense variant.
Genome position (GRCh38, 1-based): chr1:1,050,488, A>G. VCF-style: chr1-1050488-A-G. GRCh37 (hg19) VCF-style: chr1-985868-A-G.
Other names: c.5038A>G, p.Asn1680Asp (NM_001305275.2); c.4723A>G, p.Asn1575Asp (NM_001364727.2); short protein forms N1680D, N1575D.
Identifiers: ClinVar variation 581444 (VCV000581444.8), dbSNP rs1557719897, ClinGen allele CA337780029.

ClinVar aggregate classification (germline): Uncertain significance. Review status: criteria provided, multiple submitters, no conflicts (2 of 4 stars). 2 submissions from 2 submitters: Uncertain significance (2). Last evaluated 2024-03-06.

Conditions:
Congenital myasthenic syndrome 8. Also called: Myasthenic syndrome, congenital, 8, with pre- and postsynaptic defects; MYASTHENIC SYNDROME, CONGENITAL, DUE TO AGRIN DEFICIENCY. Identifiers: Orphanet 590, MedGen C3808739, MONDO:0014052, OMIM 615120.

Allele frequency attached by ClinVar (database versions not stated): gnomAD exomes below 0.00001.
gnomAD v4.1: 5 of 1,612,862 alleles (0.00031%); highest among the groups gnomAD compares: South Asian, 0.0033%; no homozygotes.

Submissions (2):

Revvity Omics, Revvity
Classification: Uncertain significance for Congenital myasthenic syndrome 8. Last evaluated: 2024-03-06. Review status: criteria provided, single submitter. Criteria: ACMG Guidelines, 2015. Collection method: clinical testing. Allele origin: germline.

Labcorp Genetics (formerly Invitae), Labcorp
Classification: Uncertain significance for Congenital myasthenic syndrome 8. Last evaluated: 2022-05-27. Review status: criteria provided, single submitter. Criteria: Invitae Variant Classification Sherloc (09022015). Collection method: clinical testing. Allele origin: germline.
Comment: In summary, the available evidence is currently insufficient to determine the role of this variant in disease. Therefore, it has been classified as a Variant of Uncertain Significance. This sequence change replaces asparagine, which is neutral and polar, with aspartic acid, which is acidic and polar, at codon 1680 of the AGRN protein (p.Asn1680Asp). This variant is not present in population databases (gnomAD no frequency). This variant has not been reported in the literature in individuals affected with AGRN-related conditions. ClinVar contains an entry for this variant (Variation ID: 581444). Algorithms developed to predict the effect of missense changes on protein structure and function are either unavailable or do not agree on the potential impact of this missense change (SIFT: "Deleterious"; PolyPhen-2: "Benign"; Align-GVGD: "Class C0").